The following is an entry in ClinVar:

ClinVar aggregate classification (germline): Uncertain significance (1 of 4 stars; one submission).

Conditions:
Inborn genetic diseases. Identifiers: MedGen C0950123, MeSH D030342.

Allele frequency attached by ClinVar (database versions not stated): TOPMed below 0.00001.

Submission:

Ambry Genetics
Classification: Uncertain significance for Inborn genetic diseases. Last evaluated: 2021-02-23. Review status: criteria provided, single submitter. Criteria: Ambry Variant Classification Scheme 2023. Collection method: clinical testing. Allele origin: germline.
Comment: The c.1939G>A (p.V647M) alteration is located in exon 16 (coding exon 16) of the AP5Z1 gene. This alteration results from a G to A substitution at nucleotide position 1939, causing the valine (V) at amino acid position 647 to be replaced by a methionine (M). The in silico prediction for the p.V647M alteration is inconclusive. Based on insufficient or conflicting evidence, the clinical significance of this alteration remains unclear.

NM_014855.3(AP5Z1):c.1939G>A (p.Val647Met)

Gene: AP5Z1 (adaptor related protein complex 5 subunit zeta 1; plus strand). Cytogenetic location: 7p22.1.
Variant type: single nucleotide variant.
Coding change: c.1939G>A on transcript NM_014855.3 (MANE Select); coding-DNA position 1939, G replaced by A.
Protein change: p.Val647Met; replaces valine 647 with methionine.
Molecular consequence: missense variant. On other transcripts: non-coding transcript variant (1).
Genome position (GRCh38, 1-based): chr7:4,790,673, G>A. VCF-style: chr7-4790673-G-A. GRCh37 (hg19) VCF-style: chr7-4830304-G-A.
Other names: c.1471G>A, p.Val491Met (NM_001364858.1); short protein forms V491M, V647M.
Identifiers: ClinVar variation 2229295 (VCV002229295.2), dbSNP rs1781734792, ClinGen allele CA366664444.
Genomic context (GRCh38, chr7:4,790,673, plus strand): 5'-CACAGCCGCTCCTGACCCAGGAGGCCTGGGTGGGGGCTGAATCTCTGTCCCCGGGCCTAG[G>A]TGTGGGCCATCGGCGAGTACCTGTCGGTGACCTACGATCGGAGGTGCACCGTGGAGCAGA-3'
Protein context (NP_055670.1, residues 637-657): CSRASLVTSV[Val647Met]WAIGEYLSVT